The following is an entry in ClinVar:

ClinVar aggregate classification (germline): other (0 of 4 stars; one submission).

Conditions:
Familial colorectal cancer. Identifiers: MedGen CN280943, MONDO:0023113. Disease mechanism: loss of function.

Submission:

Systems Biology Platform Zhejiang California International NanoSystems Institute
Classification: other for Familial colorectal cancer. Review status: no assertion criteria provided. Collection method: not provided. Allele origin: unknown.
ClinVar note: Converted during submission from cancer to other.

NM_000038.6(APC):c.645+3205C>A

Gene: APC (APC regulator of WNT signaling pathway; plus strand). Cytogenetic location: 5q22.2.
Variant type: single nucleotide variant.
Coding change: c.645+3205C>A on transcript NM_000038.6 (MANE Select); 3205 bases into the intron after coding-DNA position 645, C replaced by A.
Molecular consequence: intron variant.
Genome position (GRCh38, 1-based): chr5:112,784,108, C>A. VCF-style: chr5-112784108-C-A. GRCh37 (hg19) VCF-style: chr5-112119805-C-A.
Other names: c.645+3205C>A (NM_001354895.2, NM_001127510.3, NM_001354896.2 and 2 more transcripts); c.675+3205C>A (NM_001354897.2, NM_001354902.2, NM_001127511.3); c.570+3205C>A (NM_001354898.2, NM_001354904.2); c.-391+3205C>A (NM_001354906.2); c.468+3205C>A (NM_001354900.2, NM_001354901.2, NM_001354905.2).
Identifiers: ClinVar variation 82442 (VCV000082442.2), dbSNP rs78335460, ClinGen allele CA011406.